The following is an entry in ClinVar:

ClinVar aggregate classification (germline): Likely pathogenic (1 of 4 stars; one submission).

Submission:

Labcorp Genetics (formerly Invitae), Labcorp
Classification: Likely pathogenic. Last evaluated: 2022-03-25. Review status: criteria provided, single submitter. Criteria: Invitae Variant Classification Sherloc (09022015). Collection method: clinical testing. Allele origin: germline.
Comment: In summary, the currently available evidence indicates that the variant is pathogenic, but additional data are needed to prove that conclusively. Therefore, this variant has been classified as Likely Pathogenic. Algorithms developed to predict the effect of sequence changes on RNA splicing suggest that this variant may disrupt the consensus splice site. This variant has not been reported in the literature in individuals affected with CPOX-related conditions. This variant is not present in population databases (gnomAD no frequency). This sequence change affects an acceptor splice site in intron 2 of the CPOX gene. It is expected to disrupt RNA splicing. Variants that disrupt the donor or acceptor splice site typically lead to a loss of protein function (PMID: 16199547), and loss-of-function variants in CPOX are known to be pathogenic (PMID: 9888388).

Literature cited by the submitters: PubMed 16199547; PubMed 9888388.

NM_000097.7(CPOX):c.701-1G>A

Gene: CPOX (coproporphyrinogen oxidase; minus strand). Cytogenetic location: 3q11.2.
Variant type: single nucleotide variant.
Coding change: c.701-1G>A on transcript NM_000097.7 (MANE Select); the canonical splice acceptor site of the intron before coding-DNA position 701, G replaced by A.
Molecular consequence: splice acceptor variant.
Genome position (GRCh38, 1-based): chr3:98,590,743, C>T on the plus strand (G>A on the coding strand, the complement: CPOX is on the minus strand). VCF-style: chr3-98590743-C-T. GRCh37 (hg19) VCF-style: chr3-98309587-C-T.
Identifiers: ClinVar variation 2114370 (VCV002114370.4), dbSNP rs1345582722, ClinGen allele CA353645878.
Genomic context (GRCh38, chr3:98,590,743, plus strand): 5'-CATGAGGATTCTTGGGGTGGATAACAGAGCTCACGCCCATAGCACAAAATGGCAATTTAC[C>T]TGGAAAGTAAAATATGAGTCATGAGCTATATTCAGTTACCTTGAATGCCTTGATACAATT-3'